The following is an entry in ClinVar:

NM_000487.6(ARSA):c.1042dup (p.Ala348fs)

Gene: ARSA (arylsulfatase A; minus strand). Cytogenetic location: 22q13.33.
Variant type: Duplication.
Coding change: c.1042dup on transcript NM_000487.6 (MANE Select); coding-DNA position 1042, one base duplicated (G; older notation c.1042dupG).
Protein change: p.Ala348fs; shifts the reading frame from alanine 348.
Molecular consequence: frameshift variant.
Genome position (GRCh38, 1-based): chr22:50,626,001, C duplicated on the plus strand (G on the coding strand, the reverse complement: ARSA is on the minus strand); the first of 4 consecutive C bases (chr22:50,626,001-50,626,004); duplicating any one gives the same sequence. VCF-style (leftmost placement, unchanged base first): chr22-50626000-G-GC. GRCh37 (hg19) VCF-style: chr22-51064428-G-GC.
Other names: c.1042dup, p.Ala348fs (NM_001085425.3, NM_001085426.3, NM_001085427.3); c.784dup, p.Ala262fs (NM_001085428.3, NM_001362782.2); short protein forms A262fs, A348fs.
Identifiers: ClinVar variation 5012151 (VCV005012151.1).

ClinVar aggregate classification (germline): Pathogenic (1 of 4 stars; one submission).

Conditions:
Metachromatic leukodystrophy (MLD). Also called: ARSA DEFICIENCY; CEREBROSIDE SULFATASE DEFICIENCY; METACHROMATIC LEUKOENCEPHALOPATHY; SULFATIDE LIPIDOSIS; Cerebral sclerosis diffuse metachromatic form; Arylsulfatase A Deficiency. Identifiers: Orphanet 512, MedGen C0023522, MONDO:0018868, OMIM 250100.

Submission:

Myriad Genetics, Inc.
Classification: Pathogenic for Metachromatic leukodystrophy. Last evaluated: 2023-09-27. Review status: criteria provided, single submitter. Criteria: Myriad Autosomal Dominant, Autosomal Recessive and X-Linked Classification Criteria (2023). Collection method: clinical testing. Allele origin: unknown.
Comment: NM_000487.5(ARSA):c.1042dupG(A348Gfs*12) is expected to be pathogenic in the context of metachromatic leukodystrophy. This variant is predicted to lead to an abnormal or absent protein product due to the creation of a premature termination codon in ARSA, a gene where loss-of-function variants are known to be pathogenic. Please note: this variant was assessed in the context of healthy population screening.